The following is an entry in ClinVar:

NM_014946.4(SPAST):c.1687+2T>A

Gene: SPAST (spastin; plus strand). Cytogenetic location: 2p22.3.
Variant type: single nucleotide variant.
Coding change: c.1687+2T>A on transcript NM_014946.4 (MANE Select); the canonical splice donor site of the intron after coding-DNA position 1687, T replaced by A.
Molecular consequence: splice donor variant. On other transcripts: intron variant (1).
Genome position (GRCh38, 1-based): chr2:32,145,009, T>A. VCF-style: chr2-32145009-T-A. GRCh37 (hg19) VCF-style: chr2-32370078-T-A.
Other names: c.1591+2T>A (NM_199436.2); c.1520+1594T>A (NM_001377959.1); c.1684+2T>A (NM_001363823.2); c.1588+2T>A (NM_001363875.2); c.1687+2T>A (NM_014946.3).
Identifiers: ClinVar variation 3720314 (VCV003720314.3).

ClinVar aggregate classification (germline): Pathogenic. Review status: criteria provided, multiple submitters, no conflicts (2 of 4 stars). 2 submissions from 2 submitters: Pathogenic (2). Last evaluated 2025-08-29.

Conditions:
Hereditary spastic paraplegia 4. Also called: Spastic paraplegia 4, autosomal dominant; Spastic Paraplegia 4; Familial spastic paraplegia autosomal dominant 2. Identifiers: Orphanet 100985, MedGen C1866855, MONDO:0008438, OMIM 182601.

Submissions (2):

Athena Diagnostics
Classification: Pathogenic. Last evaluated: 2025-08-29. Review status: criteria provided, single submitter. Criteria: Athena Diagnostics Criteria. Collection method: clinical testing. Allele origin: unknown.
Comment: This variant is expected to severely impact normal RNA splicing, and consequently, protein structure and/or function. This variant has not been reported in large, multi-ethnic general populations. This variant has been identified in at least one individual with clinical features associated with this gene.

Labcorp Genetics (formerly Invitae), Labcorp
Classification: Pathogenic for Hereditary spastic paraplegia 4. Last evaluated: 2024-04-12. Review status: criteria provided, single submitter. Criteria: Invitae Variant Classification Sherloc (09022015). Collection method: clinical testing. Allele origin: germline.
Comment: This sequence change affects a donor splice site in intron 15 of the SPAST gene. It is expected to disrupt RNA splicing. Variants that disrupt the donor or acceptor splice site typically lead to a loss of protein function (PMID: 16199547), and loss-of-function variants in SPAST are known to be pathogenic (PMID: 20932283). This variant is not present in population databases (gnomAD no frequency). Disruption of this splice site has been observed in individuals with hereditary spastic paraplegia (PMID: 11015453, 27789400). This splice site is also known as c.1812+2. Algorithms developed to predict the effect of sequence changes on RNA splicing suggest that this variant may disrupt the consensus splice site. For these reasons, this variant has been classified as Pathogenic.

Literature cited by the submitters: PubMed 27789400 (cited by Athena Diagnostics and Labcorp Genetics (formerly Invitae), Labcorp); PubMed 16199547 (cited by Labcorp Genetics (formerly Invitae), Labcorp); PubMed 20932283 (cited by Labcorp Genetics (formerly Invitae), Labcorp); PubMed 11015453 (cited by Labcorp Genetics (formerly Invitae), Labcorp).